The following is an entry in ClinVar:

ClinVar aggregate classification (germline): Uncertain significance. Review status: criteria provided, multiple submitters, no conflicts (2 of 4 stars). 2 submissions from 2 submitters: Uncertain significance (2). Last evaluated 2025-11-21.

gnomAD v4.1: 11 of 1,581,906 alleles (0.0007%); highest among the groups gnomAD compares: Non-Finnish European, 0.00086%; no homozygotes.

Submissions (2):

Mayo Clinic Laboratories, Mayo Clinic
Classification: Uncertain significance. Last evaluated: 2025-11-21. Review status: criteria provided, single submitter. Criteria: ACMG Guidelines, 2015. Collection method: clinical testing. Allele origin: germline. Observed: 1 variant allele.
Comment: PM2_supporting

Ambry Genetics
Classification: Uncertain significance. Last evaluated: 2025-08-24. Review status: criteria provided, single submitter. Criteria: Ambry Variant Classification Scheme 2023. Collection method: clinical testing. Allele origin: germline.

NM_007098.4(CLTCL1):c.2119A>G (p.Ser707Gly)

Gene: CLTCL1 (clathrin heavy chain like 1; minus strand). Cytogenetic location: 22q11.21.
Variant type: single nucleotide variant.
Coding change: c.2119A>G on transcript NM_007098.4 (MANE Select); coding-DNA position 2119, A replaced by G.
Protein change: p.Ser707Gly; replaces serine 707 with glycine.
Molecular consequence: missense variant.
Genome position (GRCh38, 1-based): chr22:19,225,462, T>C on the plus strand (A>G on the coding strand, the complement: CLTCL1 is on the minus strand). VCF-style: chr22-19225462-T-C. GRCh37 (hg19) VCF-style: chr22-19212985-T-C.
Other names: p.Ser707Gly; c.2119A>G, p.Ser707Gly (NM_001835.4); short protein forms S707G.
Identifiers: ClinVar variation 4230299 (VCV004230299.2).